The following is an entry in ClinVar:

NM_005633.4(SOS1):c.207T>G (p.Asp69Glu)

Gene: SOS1 (SOS Ras/Rac guanine nucleotide exchange factor 1; minus strand). Cytogenetic location: 2p22.1.
Variant type: single nucleotide variant.
Coding change: c.207T>G on transcript NM_005633.4 (MANE Select); coding-DNA position 207, T replaced by G.
Protein change: p.Asp69Glu; replaces aspartic acid 69 with glutamic acid.
Molecular consequence: missense variant.
Genome position (GRCh38, 1-based): chr2:39,067,634, A>C on the plus strand (T>G on the coding strand, the complement: SOS1 is on the minus strand). VCF-style: chr2-39067634-A-C. GRCh37 (hg19) VCF-style: chr2-39294775-A-C.
Other names: c.186T>G, p.Asp62Glu (NM_001382394.1); c.207T>G, p.Asp69Glu (NM_001382395.1); short protein forms D62E, D69E.
Identifiers: ClinVar variation 1785550 (VCV001785550.2), dbSNP rs2465395089, ClinGen allele CA346374103.

ClinVar aggregate classification (germline): Uncertain significance (1 of 4 stars; one submission).

Conditions:
Cardiovascular phenotype. Identifiers: MedGen CN230736.

Allele frequency attached by ClinVar (database versions not stated): gnomAD exomes below 0.00001.
gnomAD v4.1: 1 of 1,613,448 alleles (0.000062%); highest among the groups gnomAD compares: African/African-American, 0.0013%; no homozygotes.

Submission:

Ambry Genetics
Classification: Uncertain significance for Cardiovascular phenotype. Last evaluated: 2016-06-10. Review status: criteria provided, single submitter. Criteria: Ambry Variant Classification Scheme 2023. Collection method: clinical testing. Allele origin: germline.
Comment: The p.D69E variant (also known as c.207T>G), located in coding exon 2 of the SOS1 gene, results from a T to G substitution at nucleotide position 207. The aspartic acid at codon 69 is replaced by glutamic acid, an amino acid with highly similar properties. This variant was not reported in population based cohorts in the following databases: Database of Single Nucleotide Polymorphisms (dbSNP), NHLBI Exome Sequencing Project (ESP), and 1000 Genomes Project. In the ESP, this variant was not observed in 6503 samples (13006 alleles) with coverage at this position. In addition, the in silico prediction for this alteration is inconclusive. Since supporting evidence is limited at this time, the clinical significance of this variant remains unclear.